The following is an entry in ClinVar:

NM_144670.6(A2ML1):c.3370C>G (p.Leu1124Val)

Gene: A2ML1 (alpha-2-macroglobulin like 1; plus strand). Cytogenetic location: 12p13.31.
Variant type: single nucleotide variant.
Coding change: c.3370C>G on transcript NM_144670.6 (MANE Select); coding-DNA position 3370, C replaced by G.
Protein change: p.Leu1124Val; replaces leucine 1124 with valine.
Molecular consequence: missense variant.
Genome position (GRCh38, 1-based): chr12:8,861,165, C>G. VCF-style: chr12-8861165-C-G. GRCh37 (hg19) VCF-style: chr12-9013761-C-G.
Other names: c.1897C>G, p.Leu633Val (NM_001282424.3); short protein forms L1124V, L633V.
Identifiers: ClinVar variation 3683248 (VCV003683248.2).
Genomic context (GRCh38, chr12:8,861,165, plus strand): 5'-TAAGTTATAGTCTTCATCTTCACTTTTTAGGACCCAATGGTGAGTCAGGGTCTACGGTGT[C>G]TCAAGAATTCGGCCACCTCCACGACCAACCTCTACACACAGGCCCTGTTGGCTTACATTT-3'
Protein context (NP_653271.3, residues 1114-1134): DPMVSQGLRC[Leu1124Val]KNSATSTTNL

ClinVar aggregate classification (germline): Uncertain significance (1 of 4 stars; one submission).

Submission:

Labcorp Genetics (formerly Invitae), Labcorp
Classification: Uncertain significance. Last evaluated: 2024-11-15. Review status: criteria provided, single submitter. Criteria: Invitae Variant Classification Sherloc (09022015). Collection method: clinical testing. Allele origin: germline.
Comment: This sequence change replaces leucine, which is neutral and non-polar, with valine, which is neutral and non-polar, at codon 1124 of the A2ML1 protein (p.Leu1124Val). This variant is not present in population databases (gnomAD no frequency). This variant has not been reported in the literature in individuals affected with A2ML1-related conditions. An algorithm developed to predict the effect of missense changes on protein structure and function (PolyPhen-2) suggests that this variant is likely to be disruptive. In summary, the available evidence is currently insufficient to determine the role of this variant in disease. Therefore, it has been classified as a Variant of Uncertain Significance.